The following is an entry in ClinVar:

ClinVar aggregate classification (germline): Pathogenic (1 of 4 stars; one submission).

Conditions:
Neurodevelopmental disorder with severe motor impairment, absent language, cerebral hypomyelination, and brain atrophy (NEDMLHB). Also called: TAF8-Related Neurodevelopmental Disorder. Identifiers: MedGen C5774185, MONDO:0859266, OMIM 619972.

gnomAD v4.1: 1 of 1,612,866 alleles (0.000062%); highest among the groups gnomAD compares: Middle Eastern, 0.017%; no homozygotes.

Submission:

3billion
Classification: Pathogenic for Neurodevelopmental disorder with severe motor impairment, absent language, cerebral hypomyelination, and brain atrophy. Last evaluated: 2023-08-22. Review status: criteria provided, single submitter. Criteria: ACMG Guidelines, 2015. Collection method: clinical testing. Allele origin: germline. Affected: yes.
Comment: The variant is observed at an extremely low frequency in the gnomAD v2.1.1 dataset (total allele frequency: 0.003%). Predicted Consequence/Location: Stop-gained (nonsense): predicted to result in a loss or disruption of normal protein function through nonsense-mediated decay (NMD) or protein truncation. Multiple pathogenic variants are reported downstream of the variant. Therefore, this variant is classified as Pathogenic according to the recommendation of ACMG/AMP guideline.

NM_138572.3(TAF8):c.796G>T (p.Glu266Ter)

Gene: TAF8 (TATA-box binding protein associated factor 8; plus strand). Cytogenetic location: 6p21.1.
Variant type: single nucleotide variant.
Coding change: c.796G>T on transcript NM_138572.3 (MANE Select); coding-DNA position 796, G replaced by T.
Protein change: p.Glu266Ter; replaces glutamic acid 266 with a stop codon.
Molecular consequence: nonsense.
Genome position (GRCh38, 1-based): chr6:42,077,115, G>T. VCF-style: chr6-42077115-G-T. GRCh37 (hg19) VCF-style: chr6-42044853-G-T.
Other names: c.796G>T, p.Glu266Ter (NM_001410906.1, NM_001410907.1); short protein forms E266*.
Identifiers: ClinVar variation 3776294 (VCV003776294.1).
Genomic context (GRCh38, chr6:42,077,115, plus strand): 5'-CCTTATGCTGTTGATGTTGTGCTTTATTTTGGCTTTTGCTCAAAGGAGGATTCTGGAGCC[G>T]AGAAGGAGAACACCTCTGTCCTGCAGCAGAACCCCTCCTTGTCGGGTAGCCGGAATGGGG-3'